The following is an entry in ClinVar:

ClinVar aggregate classification (germline): Conflicting classifications of pathogenicity. Review status: criteria provided, conflicting classifications (1 of 4 stars). 4 submissions from 4 submitters: Uncertain significance (3); Likely benign (1). Last evaluated 2026-02-03.

Conditions:
Hereditary pulmonary alveolar proteinosis. Also called: Pulmonary surfactant metabolism dysfunction. Identifiers: Orphanet 264675, MedGen C3711368, MONDO:0012580.

Allele frequency attached by ClinVar (database versions not stated): gnomAD 0.00033; TOPMed 0.00036; ESP Exome Variant Server 0.00038; gnomAD exomes 0.00004; ExAC 0.00012.
gnomAD v4.1: 108 of 1,613,692 alleles (0.0067%); highest among the groups gnomAD compares: African/African-American, 0.13%; no homozygotes.

Submissions (4):

Ambry Genetics
Classification: Likely benign for Hereditary pulmonary alveolar proteinosis. Last evaluated: 2026-02-03. Review status: criteria provided, single submitter. Criteria: Ambry Variant Classification Scheme 2023. Collection method: clinical testing. Allele origin: germline.

GeneDx
Classification: Uncertain significance. Last evaluated: 2024-11-20. Review status: criteria provided, single submitter. Criteria: GeneDx Variant Classification Process June 2021. Collection method: clinical testing. Allele origin: germline. Affected: yes.
Comment: In silico analysis supports that this missense variant has a deleterious effect on protein structure/function; Has not been previously published as pathogenic or benign to our knowledge; This variant is associated with the following publications: (PMID: 23166334)

Labcorp Genetics (formerly Invitae), Labcorp
Classification: Uncertain significance. Last evaluated: 2022-08-18. Review status: criteria provided, single submitter. Criteria: Invitae Variant Classification Sherloc (09022015). Collection method: clinical testing. Allele origin: germline.
Comment: This sequence change replaces asparagine, which is neutral and polar, with serine, which is neutral and polar, at codon 555 of the ABCA3 protein (p.Asn555Ser). This variant is present in population databases (rs147010047, gnomAD 0.1%). This variant has not been reported in the literature in individuals affected with ABCA3-related conditions. Algorithms developed to predict the effect of missense changes on protein structure and function are either unavailable or do not agree on the potential impact of this missense change (SIFT: "Deleterious"; PolyPhen-2: "Possibly Damaging"; Align-GVGD: "Class C0"). In summary, the available evidence is currently insufficient to determine the role of this variant in disease. Therefore, it has been classified as a Variant of Uncertain Significance.

Breakthrough Genomics
Classification: Uncertain significance. Review status: criteria provided, single submitter. Criteria: ACMG Guidelines, 2015. Collection method: not provided. Allele origin: germline. Inheritance: Autosomal recessive inheritance. Affected: yes.

NM_001089.3(ABCA3):c.1664A>G (p.Asn555Ser)

Gene: ABCA3 (ATP binding cassette subfamily A member 3; minus strand). Cytogenetic location: 16p13.3.
Variant type: single nucleotide variant.
Coding change: c.1664A>G on transcript NM_001089.3 (MANE Select); coding-DNA position 1664, A replaced by G.
Protein change: p.Asn555Ser; replaces asparagine 555 with serine.
Molecular consequence: missense variant.
Genome position (GRCh38, 1-based): chr16:2,299,480, T>C on the plus strand (A>G on the coding strand, the complement: ABCA3 is on the minus strand). VCF-style: chr16-2299480-T-C. GRCh37 (hg19) VCF-style: chr16-2349481-T-C.
Other names: short protein forms N555S.
Identifiers: ClinVar variation 1777543 (VCV001777543.9), dbSNP rs147010047, ClinGen allele CA7841148.